The following is an entry in ClinVar:

NM_000313.4(PROS1):c.1708G>A (p.Asp570Asn)

Gene: PROS1 (protein S; minus strand). Cytogenetic location: 3q11.1.
Variant type: single nucleotide variant.
Coding change: c.1708G>A on transcript NM_000313.4 (MANE Select); coding-DNA position 1708, G replaced by A.
Protein change: p.Asp570Asn; replaces aspartic acid 570 with asparagine.
Molecular consequence: missense variant.
Genome position (GRCh38, 1-based): chr3:93,877,128, C>T on the plus strand (G>A on the coding strand, the complement: PROS1 is on the minus strand). VCF-style: chr3-93877128-C-T. GRCh37 (hg19) VCF-style: chr3-93595972-C-T.
Other names: c.1804G>A, p.Asp602Asn (NM_001314077.2); short protein forms D602N, D570N.
Identifiers: ClinVar variation 900729 (VCV000900729.7), dbSNP rs755684845, ClinGen allele CA2503117.

ClinVar aggregate classification (germline): Uncertain significance. Review status: criteria provided, multiple submitters, no conflicts (2 of 4 stars). 2 submissions from 2 submitters: Uncertain significance (2). Last evaluated 2023-10-30.

Conditions:
Thrombophilia due to protein S deficiency, autosomal recessive (THPH6). Identifiers: Orphanet 743, MedGen C3281092, MONDO:0013791, OMIM 614514. Disease mechanism: loss of function.
Thrombophilia due to protein S deficiency, autosomal dominant (THPH5). Identifiers: Orphanet 26349, Orphanet 743, MedGen C3278211, MONDO:0012868, OMIM 612336. Disease mechanism: loss of function.

Allele frequency attached by ClinVar (database versions not stated): TOPMed 0.00002; gnomAD 0.00005.
gnomAD v4.1: 35 of 1,612,500 alleles (0.0022%); highest among the groups gnomAD compares: South Asian, 0.02%; no homozygotes.

Submissions (2):

Labcorp Genetics (formerly Invitae), Labcorp
Classification: Uncertain significance for Thrombophilia due to protein S deficiency, autosomal recessive. Last evaluated: 2023-10-30. Review status: criteria provided, single submitter. Criteria: Invitae Variant Classification Sherloc (09022015). Collection method: clinical testing. Allele origin: germline.
Comment: This sequence change replaces aspartic acid, which is acidic and polar, with asparagine, which is neutral and polar, at codon 570 of the PROS1 protein (p.Asp570Asn). This variant is present in population databases (rs755684845, gnomAD 0.03%). This variant has not been reported in the literature in individuals affected with PROS1-related conditions. ClinVar contains an entry for this variant (Variation ID: 900729). Advanced modeling of protein sequence and biophysical properties (such as structural, functional, and spatial information, amino acid conservation, physicochemical variation, residue mobility, and thermodynamic stability) performed at Invitae indicates that this missense variant is not expected to disrupt PROS1 protein function with a negative predictive value of 80%. In summary, the available evidence is currently insufficient to determine the role of this variant in disease. Therefore, it has been classified as a Variant of Uncertain Significance.

Illumina Laboratory Services, Illumina
Classification: Uncertain significance for Thrombophilia due to protein S deficiency, autosomal dominant. Last evaluated: 2018-01-13. Review status: criteria provided, single submitter. Criteria: ICSL Variant Classification Criteria 13 December 2019. Collection method: clinical testing. Allele origin: germline.